The following is an entry in ClinVar:

ClinVar aggregate classification (germline): Benign/Likely benign. Review status: criteria provided, multiple submitters, no conflicts (2 of 4 stars). 2 submissions from 2 submitters: Benign (1); Likely benign (1). Last evaluated 2024-11-19.

Conditions:
Immunodeficiency 35 (IMD35). Also called: TYK2 DEFICIENCY; HIES WITH ATYPICAL MYCOBACTERIOSIS, AUTOSOMAL RECESSIVE; HYPER-IgE SYNDROME WITH ATYPICAL MYCOBACTERIOSIS, AUTOSOMAL RECESSIVE; Susceptibility to infection due to TYK2 deficiency. Identifiers: Orphanet 331226, MedGen C1969086, MONDO:0012682, OMIM 611521.

Allele frequency attached by ClinVar (database versions not stated): gnomAD exomes 0.00023 and 0.00091; gnomAD 0.00025 and 0.00040; TOPMed 0.00040; ExAC 0.00079; 1000 Genomes Project 0.00300; 1000 Genomes Project 30x 0.00312.

Submissions (2):

Blueprint Genetics
Classification: Likely benign. Last evaluated: 2024-11-19. Review status: criteria provided, single submitter. Criteria: ACMG Guidelines, 2015. Collection method: clinical testing. Allele origin: germline.

Illumina Laboratory Services, Illumina
Classification: Benign for Immunodeficiency 35. Last evaluated: 2018-01-13. Review status: criteria provided, single submitter. Criteria: ICSL Variant Classification Criteria 13 December 2019. Collection method: clinical testing. Allele origin: germline.
Comment: This variant was observed in the ICSL laboratory as part of a predisposition screen in an ostensibly healthy population. It had not been previously curated by ICSL or reported in the Human Gene Mutation Database (HGMD: prior to June 1st, 2018), and was therefore a candidate for classification through an automated scoring system. Utilizing variant allele frequency, disease prevalence and penetrance estimates, and inheritance mode, an automated score was calculated to assess if this variant is too frequent to cause the disease. Based on the score and internal cut-off values, a variant classified as benign is not then subjected to further curation. The score for this variant resulted in a classification of benign for this disease.

NM_003331.5(TYK2):c.*19C>T

Gene: TYK2 (tyrosine kinase 2; minus strand). Cytogenetic location: 19p13.2.
Variant type: single nucleotide variant.
Coding change: c.*19C>T on transcript NM_003331.5 (MANE Select); 19 bases downstream of the stop codon, C replaced by T.
Molecular consequence: 3 prime UTR variant.
Genome position (GRCh38, 1-based): chr19:10,350,815, G>A on the plus strand (C>T on the coding strand, the complement: TYK2 is on the minus strand). VCF-style: chr19-10350815-G-A. GRCh37 (hg19) VCF-style: chr19-10461491-G-A.
Identifiers: ClinVar variation 889489 (VCV000889489.5), dbSNP rs56172150, ClinGen allele CA9192679.